The following is an entry in ClinVar:

NM_000169.3(GLA):c.1055C>G (p.Ala352Gly)

Genes: RPL36A-HNRNPH2 (RPL36A-HNRNPH2 readthrough; plus strand), GLA (galactosidase alpha; minus strand). Cytogenetic location: Xq22.1.
Variant type: single nucleotide variant.
Coding change: c.1055C>G on transcript NM_000169.3 (MANE Select); coding-DNA position 1055, C replaced by G.
Protein change: p.Ala352Gly; replaces alanine 352 with glycine.
Molecular consequence: missense variant. On other transcripts: non-coding transcript variant (3), intron variant (2).
Genome position (GRCh38, 1-based): chrX:101,398,044, G>C on the plus strand (C>G on the coding strand, the complement: GLA is on the minus strand). VCF-style: chrX-101398044-G-C. GRCh37 (hg19) VCF-style: chrX-100653032-G-C.
Other names: c.1178C>G, p.Ala393Gly (NM_001406747.1); c.300+2587G>C (NM_001199973.2); c.177+6222G>C (NM_001199974.2); c.1055C>G (NM_000169.2); short protein forms A352G, A393G.
Identifiers: ClinVar variation 217410 (VCV000217410.34), dbSNP rs869312162, ClinGen allele CA353180.
Genomic context (GRCh38, chrX:101,398,044, plus strand): 5'-AGGGAAGCAACTGCGATGGTATAAGAGCGAGGTCCACCAATCTCCTGCCGGTTTATCATA[G>C]CTACAGCCCAGGCTAAGCCTGAGAGAGGTCGTTCCCACACTTCAAAGTTGTCTCCCTGAA-3'
Protein context (NP_000160.1, residues 342-362): RPLSGLAWAV[Ala352Gly]MINRQEIGGP

ClinVar aggregate classification (germline): Conflicting classifications of pathogenicity. Review status: criteria provided, conflicting classifications (1 of 4 stars). 15 submissions from 14 submitters: Pathogenic (2); Likely pathogenic (1); Uncertain significance (8). 4 of the submissions do not count toward it. Last evaluated 2026-09-08.

Conditions:
Intellectual developmental disorder, X-linked, syndromic, Bain type. Also called: Intellectual disability, X-linked, syndromic, Bain type; HNRNPH2-Related Neurodevelopmental Disorder. Identifiers: Orphanet 662198, MedGen C4310814, MONDO:0010512, OMIM 300986.
Fabry disease. Also called: Angiokeratoma corporis diffusum; Fabry's disease; ALPHA-GALACTOSIDASE A DEFICIENCY; ANDERSON-FABRY DISEASE; CERAMIDE TRIHEXOSIDASE DEFICIENCY; GLA DEFICIENCY. Identifiers: Orphanet 324, MedGen C0002986, MONDO:0010526, OMIM 301500, HP:0001071. Disease mechanism: loss of function, Fabry disease is due to inactivating mutations in the X-linked GLA gene resulting in deficiency of the enzyme Alpha Galactosidase-A..
Migalastat response. Also called: Galafold response; 1-Deoxygalactonojirimycin response. Identifiers: MedGen CN233149.

Allele frequency attached by ClinVar (database versions not stated): gnomAD exomes below 0.00001 and 0.00001.
gnomAD v4.1: 4 of 1,211,263 alleles (0.00033%); highest among the groups gnomAD compares: Middle Eastern, 0.046%; no homozygotes.

Submissions 1 to 9 of 15:

Genomenon, Inc
Classification: Uncertain significance for Fabry disease. Last evaluated: 2026-09-08. Review status: criteria provided, single submitter. Criteria: Genomenon Sequence Variant Interpretation Standards - Updated. Collection method: curation. Allele origin: germline. Affected: yes.
Comment: GLA p.Ala352Gly (c.1055C>G) is a missense variant that changes the amino acid at codon 352 from Alanine to Glycine. This variant has been observed in at least one proband with clinical features consistent with Fabry disease (PMID:41010031). Functional or patient cell studies have been reported (PMID:26415523;32789421). It is absent or not present at a significant frequency in gnomAD. In silico models predict that this variant is possibly or probably damaging. In conclusion, we classify GLA p.Ala352Gly (c.1055C>G) as a variant of uncertain significance.

Women's Health and Genetics/Laboratory Corporation of America, LabCorp
Classification: Pathogenic for Fabry disease. Last evaluated: 2026-01-08. Review status: criteria provided, single submitter. Criteria: LabCorp Variant Classification Summary - May 2015. Collection method: clinical testing. Allele origin: germline.
Comment: Variant summary: GLA c.1055C>G (p.Ala352Gly) results in a non-conservative amino acid change located in the Alpha galactosidase A, C-terminal beta-sandwich domain (IPR035373) of the encoded protein sequence. Algorithms developed to predict the effect of missense changes on protein structure and function all suggest that this variant is likely to be disruptive. Several computational tools predict a significant impact on normal splicing: Three predict the variant creates a 5' donor site. However, these predictions have yet to be confirmed by functional studies. The variant allele was found at a frequency of 5.5e-06 in 183231 control chromosomes. c.1055C>G has been observed in multiple individuals affected with Chronic Kidney Disease or with other clinical features associated with Fabry Disease (Lukas_2016, Alhemyadi_2020, Balendran_2020, Zekavat_2022, Al-Hamed_2022). These data indicate that the variant is very likely to be associated with disease. At least one publication reports experimental evidence evaluating an impact on protein function and the most pronounced variant effect results in approximately 54% of normal activity in-vitro (Lukas_2016). The following publications have been ascertained in the context of this evaluation (PMID: 36177613, 32789421, 31860127, 27916943, 26415523, 34679477, 35234813). ClinVar contains an entry for this variant (Variation ID: 217410). Based on the evidence outlined above, the variant was classified as pathogenic.

GeneDx
Classification: Uncertain significance. Last evaluated: 2025-12-10. Review status: criteria provided, single submitter. Criteria: GeneDx Variant Classification Process June 2021. Collection method: clinical testing. Allele origin: germline. Affected: yes.
Comment: Observed in patients with clinical suspicion of Fabry disease; however globotriaosylsphingosine biomarker testing was within normal limits for assessed patients (PMID: 36177613, 32789421, 26415523); Published functional studies found this variant is associated with significant residual enzyme activity, approximately 54% of wild-type (PMID: 26415523); In silico analysis supports that this missense variant has a deleterious effect on protein structure/function; This variant is associated with the following publications: (PMID: 32789421, 26415523, 34679477, 35234813, 31860127, 36177613)

Labcorp Genetics (formerly Invitae), Labcorp
Classification: Pathogenic for Fabry disease. Last evaluated: 2025-11-09. Review status: criteria provided, single submitter. Criteria: Invitae Variant Classification Sherloc (09022015). Collection method: clinical testing. Allele origin: germline.
Comment: This sequence change replaces alanine, which is neutral and non-polar, with glycine, which is neutral and non-polar, at codon 352 of the GLA protein (p.Ala352Gly). This variant is present in population databases (no rsID available, gnomAD 0.005%). This missense change has been observed in individuals with Fabry disease (PMID: 32789421). ClinVar contains an entry for this variant (Variation ID: 217410). Invitae Evidence Modeling of protein sequence and biophysical properties (such as structural, functional, and spatial information, amino acid conservation, physicochemical variation, residue mobility, and thermodynamic stability) indicates that this missense variant is not expected to disrupt GLA protein function with a negative predictive value of 80%. Experimental studies are conflicting or provide insufficient evidence to determine the effect of this variant on GLA function (PMID: 26415523). Algorithms developed to predict the effect of sequence changes on RNA splicing suggest that this variant may create or strengthen a splice site. This variant disrupts the p.Ala352 amino acid residue in GLA. Other variant(s) that disrupt this residue have been observed in individuals with GLA-related conditions (PMID: 12920095, 33016649), which suggests that this may be a clinically significant amino acid residue. For these reasons, this variant has been classified as Pathogenic.

3billion
Classification: Likely pathogenic for Fabry disease. Last evaluated: 2025-09-24. Review status: criteria provided, single submitter. Criteria: ACMG Guidelines, 2015. Collection method: clinical testing. Allele origin: germline. Affected: yes.
Comment: The variant is observed at an extremely low frequency in the gnomAD v4.1.0 dataset (total allele frequency: <0.001%). Predicted Consequence/Location: Missense variant Functional studies provide moderate evidence of the variant having a damaging effect on the gene or gene product (PMID: 26415523). In silico tool predictions suggest damaging effect of the variant on gene or gene product [REVEL: 0.66 (>=0.6, sensitivity 0.68 and specificity 0.92); 3Cnet: 0.83 (> 0.75, sensitivity 0.96 and precision 0.92)]. The same nucleotide change resulting in the same amino acid change has been previously reported to be associated with GLA-related disorder (PMID: 26415523). Different missense changes at the same codon (p.Ala352Asp, p.Ala352Pro) have been reported to be associated with GLA-related disorder (PMID: 12920095, 33016649). Therefore, this variant is classified as Likely pathogenic according to the recommendation of ACMG/AMP guideline.

Revvity Omics, Revvity
Classification: Uncertain significance. Last evaluated: 2025-05-28. Review status: criteria provided, single submitter. Criteria: ACMG Guidelines, 2015. Collection method: clinical testing. Allele origin: germline.

Genomic Medicine Center of Excellence, King Faisal Specialist Hospital and Research Centre
Classification: Uncertain significance for Intellectual developmental disorder, X-linked, syndromic, Bain type. Last evaluated: 2024-09-22. Review status: criteria provided, single submitter. Criteria: ACMG Guidelines, 2015. Collection method: clinical testing. Allele origin: germline.

Color Diagnostics, LLC DBA Color Health
Classification: Uncertain significance for Fabry disease. Last evaluated: 2022-10-20. Review status: criteria provided, single submitter. Criteria: ACMG Guidelines, 2015. Collection method: clinical testing. Allele origin: germline.
Comment: This missense variant replaces alanine with glycine at codon 352 of the GLA protein. Computational prediction is inconclusive regarding the impact of this variant on protein structure and function (internally defined REVEL score threshold 0.5 < inconclusive < 0.7, PMID: 27666373). Splice site prediction tools are inconclusive regarding the impact of this variant on RNA splicing. Functional studies support that this variant may not have a significant impact on GLA enzyme activity (PMID: 26415523). This variant has been reported in females affected with Fabry disease (PMID: 32789421). It has also been reported in individuals with suspected but not confirmed Fabry disease (PMID: 26415523, 31860127). This variant has been identified in 1/183231 chromosomes in the general population by the Genome Aggregation Database (gnomAD). The available evidence is insufficient to determine the role of this variant in disease conclusively. Therefore, this variant is classified as a Variant of Uncertain Significance.

Genome-Nilou Lab
Classification: Uncertain significance for Fabry disease. Last evaluated: 2021-07-15. Review status: criteria provided, single submitter. Criteria: ACMG Guidelines, 2015. Collection method: clinical testing. Allele origin: germline. Affected: no.